The following is an entry in ClinVar:

ClinVar aggregate classification (germline): Uncertain significance. Review status: criteria provided, multiple submitters, no conflicts (2 of 4 stars). 5 submissions from 4 submitters: Uncertain significance (5). Last evaluated 2026-03-19.

Conditions:
Ectopia lentis et pupillae. Also called: ECTOPIA LENTIS WITH ECTOPIA OF PUPIL. Identifiers: Orphanet 1885, MedGen C1644196, MONDO:0009153, OMIM 225200.
Ectopia lentis 2, isolated, autosomal recessive (ECTOL2). Identifiers: Orphanet 1885, MedGen C3541474, MONDO:0009152, OMIM 225100.

Allele frequency attached by ClinVar (database versions not stated): TOPMed 0.00012; 1000 Genomes Project 30x 0.00031; 1000 Genomes Project 0.00040.
gnomAD v4.1: 74 of 1,613,168 alleles (0.0046%); highest among the groups gnomAD compares: East Asian, 0.071%; no homozygotes.

Submissions (5):

GeneDx
Classification: Uncertain significance. Last evaluated: 2026-03-19. Review status: criteria provided, single submitter. Criteria: GeneDx Variant Classification Process June 2021. Collection method: clinical testing. Allele origin: germline.
Comment: In silico analysis suggests that this missense variant does not alter protein structure/function; Has not been previously published as pathogenic or benign to our knowledge

Labcorp Genetics (formerly Invitae), Labcorp
Classification: Uncertain significance. Last evaluated: 2024-12-21. Review status: criteria provided, single submitter. Criteria: Invitae Variant Classification Sherloc (09022015). Collection method: clinical testing. Allele origin: germline.
Comment: This sequence change replaces arginine, which is basic and polar, with glutamine, which is neutral and polar, at codon 771 of the ADAMTSL4 protein (p.Arg771Gln). This variant is present in population databases (rs187309656, gnomAD 0.05%). This variant has not been reported in the literature in individuals affected with ADAMTSL4-related conditions. ClinVar contains an entry for this variant (Variation ID: 875377). Invitae Evidence Modeling of protein sequence and biophysical properties (such as structural, functional, and spatial information, amino acid conservation, physicochemical variation, residue mobility, and thermodynamic stability) indicates that this missense variant is not expected to disrupt ADAMTSL4 protein function with a negative predictive value of 80%. In summary, the available evidence is currently insufficient to determine the role of this variant in disease. Therefore, it has been classified as a Variant of Uncertain Significance.

Genome-Nilou Lab
Classification: Uncertain significance for Ectopia lentis et pupillae. Last evaluated: 2023-04-11. Review status: criteria provided, single submitter. Criteria: ACMG Guidelines, 2015. Collection method: clinical testing. Allele origin: germline. Affected: no.

Genome-Nilou Lab
Classification: Uncertain significance for Ectopia lentis 2, isolated, autosomal recessive. Last evaluated: 2023-04-11. Review status: criteria provided, single submitter. Criteria: ACMG Guidelines, 2015. Collection method: clinical testing. Allele origin: germline. Affected: no.

Illumina Laboratory Services, Illumina
Classification: Uncertain significance for Ectopia lentis 2, isolated, autosomal recessive. Last evaluated: 2018-01-12. Review status: criteria provided, single submitter. Criteria: ICSL Variant Classification Criteria 13 December 2019. Collection method: clinical testing. Allele origin: germline.

NM_019032.6(ADAMTSL4):c.2312G>A (p.Arg771Gln)

Gene: ADAMTSL4 (ADAMTS like 4; plus strand). Cytogenetic location: 1q21.2.
Variant type: single nucleotide variant.
Coding change: c.2312G>A on transcript NM_019032.6 (MANE Select); coding-DNA position 2312, G replaced by A.
Protein change: p.Arg771Gln; replaces arginine 771 with glutamine.
Molecular consequence: missense variant.
Genome position (GRCh38, 1-based): chr1:150,558,079, G>A. VCF-style: chr1-150558079-G-A. GRCh37 (hg19) VCF-style: chr1-150530555-G-A.
Other names: c.2195G>A, p.Arg732Gln (NM_001288607.2); c.2381G>A, p.Arg794Gln (NM_001288608.2); c.2312G>A, p.Arg771Gln (NM_001378596.1, NM_025008.5); c.2312G>A (NM_019032.5); short protein forms R732Q, R794Q, R771Q.
Identifiers: ClinVar variation 875377 (VCV000875377.9), dbSNP rs187309656, ClinGen allele CA1078622.
Genomic context (GRCh38, chr1:150,558,079, plus strand): 5'-GGCAGGAATTTGGGGGGGGTGGCTCCTCGGTGCCCCCGGAGCGCTGTGGACATCTCCCCC[G>A]GCCCAACATCACCCAGTCTTGCCAGCTGCGCCTCTGTGGCCATTGGGAAGTTGGCTCTCC-3'
Protein context (NP_061905.2, residues 761-781): VPPERCGHLP[Arg771Gln]PNITQSCQLR